The following is an entry in ClinVar:

ClinVar aggregate classification (germline): Likely pathogenic (1 of 4 stars; one submission).

Allele frequency attached by ClinVar (database versions not stated): TOPMed 0.00002.
gnomAD v4.1: 8 of 1,614,022 alleles (0.0005%); highest among the groups gnomAD compares: Non-Finnish European, 0.00068%; no homozygotes.

Submission:

GeneDx
Classification: Likely pathogenic. Last evaluated: 2017-07-31. Review status: criteria provided, single submitter. Criteria: GeneDx Variant Classification (06012015). Collection method: clinical testing. Allele origin: germline. Affected: yes.
Comment: The S314X variant in the SLC6A19 gene has not been reported previously as a pathogenic variant nor as a benign variant, to our knowledge. This variant is predicted to cause loss of normal protein function either through protein truncation or nonsense-mediated mRNA decay. The S314X variant is not observed in large population cohorts (Lek et al., 2016; 1000 Genomes Consortium et al., 2015; Exome Variant Server). We interpret S314X as a likely pathogenic variant.

NM_001003841.3(SLC6A19):c.941C>A (p.Ser314Ter)

Gene: SLC6A19 (solute carrier family 6 member 19; plus strand). Cytogenetic location: 5p15.33.
Variant type: single nucleotide variant.
Coding change: c.941C>A on transcript NM_001003841.3 (MANE Select); coding-DNA position 941, C replaced by A.
Protein change: p.Ser314Ter; replaces serine 314 with a stop codon.
Molecular consequence: nonsense.
Genome position (GRCh38, 1-based): chr5:1,216,611, C>A. VCF-style: chr5-1216611-C-A. GRCh37 (hg19) VCF-style: chr5-1216726-C-A.
Other names: short protein forms S314*.
Identifiers: ClinVar variation 450798 (VCV000450798.2), dbSNP rs369804798, ClinGen allele CA359070629.